The following is an entry in ClinVar:

NM_005097.4(LGI1):c.*215T>C

Gene: LGI1 (leucine rich glioma inactivated 1; plus strand). Cytogenetic location: 10q23.33.
Variant type: single nucleotide variant.
Coding change: c.*215T>C on transcript NM_005097.4 (MANE Select); 215 bases downstream of the stop codon, T replaced by C.
Molecular consequence: 3 prime UTR variant. On other transcripts: non-coding transcript variant (1).
Genome position (GRCh38, 1-based): chr10:93,798,018, T>C. VCF-style: chr10-93798018-T-C. GRCh37 (hg19) VCF-style: chr10-95557775-T-C.
Other names: c.*232T>C (NM_001308275.2); c.*215T>C (NM_001308276.2).
Identifiers: ClinVar variation 301662 (VCV000301662.6), dbSNP rs17502662, ClinGen allele CA10629498.
Genomic context (GRCh38, chr10:93,798,018, plus strand): 5'-ACTGTCCAGTCCAGTGATGTGGGAAGTTACCTTTTATAAGACAAAATTTAATTGTGTAAC[T>C]GTTCTTTGCAGTGAAGATGTGTAAATAAGCGTTTAATGGTATCTGTTACTCCAAAAAGAA-3'

ClinVar aggregate classification (germline): Likely benign. Review status: criteria provided, multiple submitters, no conflicts (2 of 4 stars). 2 submissions from 2 submitters: Likely benign (2). Last evaluated 2018-01-12.

Conditions:
Epilepsy, familial temporal lobe, 1. Identifiers: Orphanet 101046, MedGen CN030884, MONDO:0700090, OMIM 600512.

Allele frequency attached by ClinVar (database versions not stated): 1000 Genomes Project 0.00519; TOPMed 0.00570; 1000 Genomes Project 30x 0.00578; gnomAD 0.00589 and 0.00608; gnomAD exomes 0.00767.
gnomAD v4.1: 4,319 of 594,274 alleles (0.73%); highest among the groups gnomAD compares: Admixed American, 1.4%; 36 homozygotes.

Submissions (2):

Illumina Laboratory Services, Illumina
Classification: Likely benign for Epilepsy, familial temporal lobe, 1. Last evaluated: 2018-01-12. Review status: criteria provided, single submitter. Criteria: ICSL Variant Classification Criteria 13 December 2019. Collection method: clinical testing. Allele origin: germline.
Comment: This variant was observed in the ICSL laboratory as part of a predisposition screen in an ostensibly healthy population. It had not been previously curated by ICSL or reported in the Human Gene Mutation Database (HGMD: prior to June 1st, 2018), and was therefore a candidate for classification through an automated scoring system. Utilizing variant allele frequency, disease prevalence and penetrance estimates, and inheritance mode, an automated score was calculated to assess if this variant is too frequent to cause the disease. Based on the score and internal cut-off values, a variant classified as likely benign is not then subjected to further curation. The score for this variant resulted in a classification of likely benign for this disease.

Breakthrough Genomics
Classification: Likely benign. Review status: criteria provided, single submitter. Criteria: ACMG Guidelines, 2015. Collection method: not provided. Allele origin: germline. Inheritance: Autosomal dominant inheritance. Affected: yes.